The following is an entry in ClinVar:

NM_014141.6(CNTNAP2):c.676C>A (p.Leu226Met)

Gene: CNTNAP2 (contactin associated protein 2; plus strand). Cytogenetic location: 7q35.
Variant type: single nucleotide variant.
Coding change: c.676C>A on transcript NM_014141.6 (MANE Select); coding-DNA position 676, C replaced by A.
Protein change: p.Leu226Met; replaces leucine 226 with methionine.
Molecular consequence: missense variant.
Genome position (GRCh38, 1-based): chr7:147,108,272, C>A. VCF-style: chr7-147108272-C-A. GRCh37 (hg19) VCF-style: chr7-146805364-C-A.
Other names: p.L226M:CTG>ATG; short protein forms L226M.
Identifiers: ClinVar variation 205322 (VCV000205322.28), dbSNP rs372345438, ClinGen allele CA314277.

ClinVar aggregate classification (germline): Uncertain significance. Review status: criteria provided, multiple submitters, no conflicts (2 of 4 stars). 10 submissions from 10 submitters: Uncertain significance (10). Last evaluated 2026-05-01.

Conditions:
Inborn genetic diseases. Identifiers: MedGen C0950123, MeSH D030342.
Cortical dysplasia-focal epilepsy syndrome (PTHSL1). Also called: Pitt-Hopkins-like syndrome 1. Identifiers: Orphanet 163681, Orphanet 221150, MedGen C2750246, MONDO:0012400, OMIM 610042.
Autism, susceptibility to, 15. Also called: Autism susceptibility 15. Identifiers: MedGen C2677504, MONDO:0012801, OMIM 612100.

Allele frequency attached by ClinVar (database versions not stated): gnomAD 0.00009 and 0.00010; gnomAD exomes 0.00009 and 0.00015; ExAC 0.00011; ESP Exome Variant Server 0.00015; TOPMed 0.00016.
gnomAD v4.1: 149 of 1,613,600 alleles (0.0092%); highest among the groups gnomAD compares: Admixed American, 0.038%; no homozygotes.

Submissions (10):

CeGaT Center for Human Genetics Tuebingen
Classification: Uncertain significance. Last evaluated: 2026-05-01. Review status: criteria provided, single submitter. Criteria: CeGaT Center For Human Genetics Tuebingen Variant Classification Criteria Version 2. Collection method: clinical testing. Allele origin: germline. Affected: yes. Observed: 1 variant allele.
Comment: CNTNAP2: PM2

GeneDx
Classification: Uncertain significance. Last evaluated: 2025-08-27. Review status: criteria provided, single submitter. Criteria: GeneDx Variant Classification Process June 2021. Collection method: clinical testing. Allele origin: germline. Affected: yes.
Comment: In silico analysis suggests that this missense variant does not alter protein structure/function; This variant is associated with the following publications: (PMID: 18179895)

Ambry Genetics
Classification: Uncertain significance for Inborn genetic diseases. Last evaluated: 2024-08-27. Review status: criteria provided, single submitter. Criteria: Ambry Variant Classification Scheme 2023. Collection method: clinical testing. Allele origin: germline.

Blueprint Genetics
Classification: Uncertain significance. Last evaluated: 2024-02-05. Review status: criteria provided, single submitter. Criteria: ACMG Guidelines, 2015. Collection method: clinical testing. Allele origin: germline.

Labcorp Genetics (formerly Invitae), Labcorp
Classification: Uncertain significance for Cortical dysplasia-focal epilepsy syndrome. Last evaluated: 2022-10-18. Review status: criteria provided, single submitter. Criteria: Invitae Variant Classification Sherloc (09022015). Collection method: clinical testing. Allele origin: germline.
Comment: This sequence change replaces leucine, which is neutral and non-polar, with methionine, which is neutral and non-polar, at codon 226 of the CNTNAP2 protein (p.Leu226Met). This variant is present in population databases (rs372345438, gnomAD 0.1%). This variant has not been reported in the literature in individuals affected with CNTNAP2-related conditions. ClinVar contains an entry for this variant (Variation ID: 205322). Algorithms developed to predict the effect of missense changes on protein structure and function are either unavailable or do not agree on the potential impact of this missense change (SIFT: "Deleterious"; PolyPhen-2: "Possibly Damaging"; Align-GVGD: "Class C0"). In summary, the available evidence is currently insufficient to determine the role of this variant in disease. Therefore, it has been classified as a Variant of Uncertain Significance.

Fulgent Genetics
Classification: Uncertain significance for Cortical dysplasia-focal epilepsy syndrome; Autism, susceptibility to, 15. Last evaluated: 2021-08-04. Review status: criteria provided, single submitter. Criteria: ACMG Guidelines, 2015. Collection method: clinical testing. Allele origin: unknown.

Eurofins Ntd Llc (ga)
Classification: Uncertain significance. Last evaluated: 2018-07-12. Review status: criteria provided, single submitter. Criteria: EGL ClinVar v180209 classification definitions. Collection method: clinical testing. Allele origin: germline. Observed: 1 variant allele, 1 heterozygote.

Illumina Laboratory Services, Illumina
Classification: Uncertain significance for Cortical dysplasia-focal epilepsy syndrome. Last evaluated: 2017-04-28. Review status: criteria provided, single submitter. Criteria: ICSL Variant Classification Criteria 13 December 2019. Collection method: clinical testing. Allele origin: germline.
Comment: This variant was observed as part of a predisposition screen in an ostensibly healthy population. A literature search was performed for the gene, cDNA change, and amino acid change (where applicable). Publications were found based on this search. However, the evidence from the literature, in combination with allele frequency data from public databases where available, was not sufficient to rule this variant in or out of causing disease. Therefore, this variant is classified as a variant of unknown significance.

Breakthrough Genomics
Classification: Uncertain significance. Review status: criteria provided, single submitter. Criteria: ACMG Guidelines, 2015. Collection method: not provided. Allele origin: germline. Inheritance: Autosomal recessive inheritance. Affected: yes.

Center for Genomics, Ann and Robert H. Lurie Children's Hospital of Chicago
Classification: Uncertain significance for Cortical dysplasia-focal epilepsy syndrome; Autism, susceptibility to, 15. Review status: criteria provided, single submitter. Criteria: ACMG Guidelines, 2015. Collection method: clinical testing. Allele origin: germline.
Comment: CNTNAP2 NM_014141.5 exon 5 p.Leu226Met (c.676C>A): This variant has not been reported in the literature but is present in 0.02% (3/13640) of Latino alleles in the Genome Aggregation Database. This variant is present in ClinVar (Variation ID:205322). Evolutionary conservation suggests that this variant may not impact the protein; computational predictive tools for this variant are unclear. In summary, data on this variant is insufficient for disease classification. Therefore, the clinical significance of this variant is uncertain.

Literature cited by the submitters: PubMed 18179895 (cited by Illumina Laboratory Services, Illumina).